The following is an entry in ClinVar:

NM_001378615.1(CC2D2A):c.494G>A (p.Arg165Lys)

Genes: CC2D2A (coiled-coil and C2 domain containing 2A; plus strand), FBXL5 (F-box and leucine rich repeat protein 5; minus strand). Cytogenetic location: 4p15.32.
Variant type: single nucleotide variant.
Coding change: c.494G>A on transcript NM_001378615.1 (MANE Select); coding-DNA position 494, G replaced by A.
Protein change: p.Arg165Lys; replaces arginine 165 with lysine.
Molecular consequence: missense variant.
Genome position (GRCh38, 1-based): chr4:15,510,194, G>A. VCF-style: chr4-15510194-G-A. GRCh37 (hg19) VCF-style: chr4-15511817-G-A.
Other names: c.494G>A, p.Arg165Lys (NM_001080522.2); c.347G>A, p.Arg116Lys (NM_001378617.1); short protein forms R116K, R165K.
Identifiers: ClinVar variation 1431615 (VCV001431615.6), dbSNP rs911542623, ClinGen allele CA92509156.

ClinVar aggregate classification (germline): Uncertain significance. Review status: criteria provided, multiple submitters, no conflicts (2 of 4 stars). 2 submissions from 2 submitters: Uncertain significance (2). Last evaluated 2026-08-31.

Conditions:
Joubert syndrome. Also called: JOUBERT-BOLTSHAUSER SYNDROME; Familial aplasia of the vermis. Identifiers: Orphanet 475, MedGen C5979921, MONDO:0018772.
Meckel-Gruber syndrome. Also called: DYSENCEPHALIA SPLANCHNOCYSTICA; GRUBER SYNDROME; Dysencephalia splachnocystica. Identifiers: Orphanet 564, MedGen C0265215, MONDO:0018921.
CC2D2A-related disorder. Also called: CC2D2A-related disorders; CC2D2A-related condition. Identifiers: MedGen CN239313.

gnomAD v4.1: 1 of 1,613,656 alleles (0.000062%); highest among the groups gnomAD compares: South Asian, 0.0011%; no homozygotes.

Submissions (2):

PreventionGenetics, part of Exact Sciences
Classification: Uncertain significance for CC2D2A-related condition. Last evaluated: 2026-08-31. Review status: criteria provided, single submitter. Criteria: ACMG Guidelines, 2015. Collection method: clinical testing. Allele origin: germline.
Comment: The CC2D2A c.494G>A variant is predicted to result in the amino acid substitution p.Arg165Lys. To our knowledge, this variant has not been reported in the literature or in a large population database (gnomAD), indicating this variant is rare. At this time, the clinical significance of this variant is uncertain due to the absence of conclusive functional and genetic evidence.

Labcorp Genetics (formerly Invitae), Labcorp
Classification: Uncertain significance for Joubert syndrome; Meckel-Gruber syndrome. Last evaluated: 2022-10-05. Review status: criteria provided, single submitter. Criteria: Invitae Variant Classification Sherloc (09022015). Collection method: clinical testing. Allele origin: germline.
Comment: This sequence change replaces arginine, which is basic and polar, with lysine, which is basic and polar, at codon 165 of the CC2D2A protein (p.Arg165Lys). This variant is not present in population databases (gnomAD no frequency). This variant has not been reported in the literature in individuals affected with CC2D2A-related conditions. ClinVar contains an entry for this variant (Variation ID: 1431615). Advanced modeling of protein sequence and biophysical properties (such as structural, functional, and spatial information, amino acid conservation, physicochemical variation, residue mobility, and thermodynamic stability) performed at Invitae indicates that this missense variant is not expected to disrupt CC2D2A protein function. In summary, the available evidence is currently insufficient to determine the role of this variant in disease. Therefore, it has been classified as a Variant of Uncertain Significance.